The following is an entry in ClinVar:

ClinVar aggregate classification (germline): Uncertain significance (1 of 4 stars; one submission).

Submission:

GeneDx
Classification: Uncertain significance. Last evaluated: 2020-02-07. Review status: criteria provided, single submitter. Criteria: GeneDx Variant Classification Process June 2021. Collection method: clinical testing. Allele origin: germline. Affected: yes.
Comment: Not observed in large population cohorts (Lek et al., 2016); In silico analysis supports that this missense variant has a deleterious effect on protein structure/function; Has not been previously published as pathogenic or benign to our knowledge

NM_001365792.1(DAB1):c.292G>A (p.Asp98Asn)

Gene: DAB1 (DAB adaptor protein 1; minus strand). Cytogenetic location: 1p32.2.
Variant type: single nucleotide variant.
Coding change: c.292G>A on transcript NM_001365792.1 (MANE Select); coding-DNA position 292, G replaced by A.
Protein change: p.Asp98Asn; replaces aspartic acid 98 with asparagine.
Molecular consequence: missense variant.
Genome position (GRCh38, 1-based): chr1:57,136,557, C>T on the plus strand (G>A on the coding strand, the complement: DAB1 is on the minus strand). VCF-style: chr1-57136557-C-T. GRCh37 (hg19) VCF-style: chr1-57602230-C-T.
Other names: c.292G>A, p.Asp98Asn (NM_001353983.2, NM_001353985.2, NM_001353986.2 and 4 more transcripts); short protein forms D98N.
Identifiers: ClinVar variation 1311659 (VCV001311659.2), dbSNP rs2100796663, ClinGen allele CA340576348.